The following is an entry in ClinVar:

NM_015001.3(SPEN):c.10437G>A (p.Gln3479=)

Gene: SPEN (spen family transcriptional repressor; plus strand). Cytogenetic location: 1p36.13.
Variant type: single nucleotide variant.
Coding change: c.10437G>A on transcript NM_015001.3 (MANE Select); coding-DNA position 10437, G replaced by A.
Protein change: p.Gln3479=; no amino-acid change (glutamine 3479 retained).
Molecular consequence: synonymous variant.
Genome position (GRCh38, 1-based): chr1:15,937,573, G>A. VCF-style: chr1-15937573-G-A. GRCh37 (hg19) VCF-style: chr1-16264068-G-A.
Identifiers: ClinVar variation 3771354 (VCV003771354.13).
Genomic context (GRCh38, chr1:15,937,573, plus strand): 5'-CCCAACAACCTCTGGCCCCAGCACCCCACCAGGACTGGTTCTGCCACACACTGAATTCCA[G>A]CCAGCCCCCAAACAAGATTCCTCTCCACACCTGACTTCCCAGAGACCCGTGGATATGGTT-3'
Protein context (NP_055816.2, residues 3469-3489): PGLVLPHTEF[Gln3479=]PAPKQDSSPH

ClinVar aggregate classification (germline): Likely benign (1 of 4 stars; one submission).

gnomAD v4.1: 293 of 1,614,138 alleles (0.018%); highest among the groups gnomAD compares: Non-Finnish European, 0.024%; no homozygotes.

Submission:

CeGaT Center for Human Genetics Tuebingen
Classification: Likely benign. Last evaluated: 2025-02-01. Review status: criteria provided, single submitter. Criteria: CeGaT Center For Human Genetics Tuebingen Variant Classification Criteria Version 2. Collection method: clinical testing. Allele origin: germline. Affected: yes. Observed: 1 variant allele.
Comment: SPEN: BP4, BP7